The following is an entry in ClinVar:

NM_015898.4(ZBTB7A):c.841G>A (p.Ala281Thr)

Gene: ZBTB7A (zinc finger and BTB domain containing 7A; minus strand). Cytogenetic location: 19p13.3.
Variant type: single nucleotide variant.
Coding change: c.841G>A on transcript NM_015898.4 (MANE Select); coding-DNA position 841, G replaced by A.
Protein change: p.Ala281Thr; replaces alanine 281 with threonine.
Molecular consequence: missense variant.
Genome position (GRCh38, 1-based): chr19:4,054,392, C>T on the plus strand (G>A on the coding strand, the complement: ZBTB7A is on the minus strand). VCF-style: chr19-4054392-C-T. GRCh37 (hg19) VCF-style: chr19-4054390-C-T.
Other names: c.841G>A, p.Ala281Thr (NM_001317990.2); c.841G>A (NM_001317990.1); short protein forms A281T.
Identifiers: ClinVar variation 3192188 (VCV003192188.2), dbSNP rs571325589, ClinGen allele CA9090530.

ClinVar aggregate classification (germline): Likely benign. Review status: criteria provided, multiple submitters, no conflicts (2 of 4 stars). 2 submissions from 2 submitters: Likely benign (2). Last evaluated 2026-07-28.

Conditions:
ZBTB7A-related disorder. Also called: ZBTB7A-related condition.
Inborn genetic diseases. Identifiers: MedGen C0950123, MeSH D030342.

Allele frequency attached by ClinVar (database versions not stated): gnomAD exomes 0.00007; 1000 Genomes Project 0.00020; 1000 Genomes Project 30x 0.00031; gnomAD 0.00040; TOPMed 0.00045.
gnomAD v4.1: 164 of 1,408,276 alleles (0.012%); highest among the groups gnomAD compares: Admixed American, 0.11%; 1 homozygote.

Submissions (2):

PreventionGenetics, part of Exact Sciences
Classification: Likely benign for ZBTB7A-related condition. Last evaluated: 2026-07-28. Review status: criteria provided, single submitter. Criteria: ACMG Guidelines, 2015. Collection method: clinical testing. Allele origin: germline.
Comment: This variant is classified as likely benign based on ACMG/AMP sequence variant interpretation guidelines (Richards et al. 2015 PMID: 25741868, with internal and published modifications).

Ambry Genetics
Classification: Likely benign for Inborn genetic diseases. Last evaluated: 2023-10-05. Review status: criteria provided, single submitter. Criteria: Ambry Variant Classification Scheme 2023. Collection method: clinical testing. Allele origin: germline.